The following is an entry in ClinVar:

ClinVar aggregate classification (germline): Likely benign. Review status: criteria provided, multiple submitters, no conflicts (2 of 4 stars). 2 submissions from 2 submitters: Likely benign (2). Last evaluated 2018-06-19.

Allele frequency attached by ClinVar (database versions not stated): TOPMed 0.00303; gnomAD 0.00306; 1000 Genomes Project 0.00539; 1000 Genomes Project 30x 0.00547; ESP Exome Variant Server 0.00292; ExAC 0.00734.

Submissions (2):

GeneDx
Classification: Likely benign. Last evaluated: 2018-06-19. Review status: criteria provided, single submitter. Criteria: GeneDx Variant Classification (06012015). Collection method: clinical testing. Allele origin: germline. Affected: yes.
Comment: This variant is considered likely benign or benign based on one or more of the following criteria: it is a conservative change, it occurs at a poorly conserved position in the protein, it is predicted to be benign by multiple in silico algorithms, and/or has population frequency not consistent with disease.

Breakthrough Genomics
Classification: Likely benign. Review status: criteria provided, single submitter. Criteria: ACMG Guidelines, 2015. Collection method: not provided. Allele origin: germline. Inheritance: Autosomal recessive inheritance. Affected: yes.

NM_177924.5(ASAH1):c.704-31C>T

Gene: ASAH1 (N-acylsphingosine amidohydrolase 1; minus strand). Cytogenetic location: 8p22.
Variant type: single nucleotide variant.
Coding change: c.704-31C>T on transcript NM_177924.5 (MANE Select); 31 bases into the intron before coding-DNA position 704, C replaced by T.
Molecular consequence: intron variant.
Genome position (GRCh38, 1-based): chr8:18,061,489, G>A on the plus strand (C>T on the coding strand, the complement: ASAH1 is on the minus strand). VCF-style: chr8-18061489-G-A. GRCh37 (hg19) VCF-style: chr8-17918998-G-A.
Other names: c.752-31C>T (NM_004315.6); c.686-31C>T (NM_001127505.3); c.509-31C>T (NM_001363743.2).
Identifiers: ClinVar variation 679007 (VCV000679007.2), dbSNP rs201513748, ClinGen allele CA4650709.
Genomic context (GRCh38, chr8:18,061,489, plus strand): 5'-CTTTCTTTCCCAGAATCCATTCTAGAATACCTGGAAGAGATGAACACAATGTCAGGAACC[G>A]GAAGAGGTGACACTATGTAACCAGTCAGGACCCGGAAGAGGCTGGACTATATAACCAGTC-3'